The following is an entry in ClinVar:

NM_000061.3(BTK):c.726dup (p.Ile243fs)

Gene: BTK (Bruton tyrosine kinase; minus strand). Cytogenetic location: Xq22.1.
Variant type: Duplication.
Coding change: c.726dup on transcript NM_000061.3 (MANE Select); coding-DNA position 726, one base duplicated (T; older notation c.726dupT).
Protein change: p.Ile243fs; shifts the reading frame from isoleucine 243.
Molecular consequence: frameshift variant.
Genome position (GRCh38, 1-based): chrX:101,360,618, A duplicated on the plus strand (T on the coding strand, the reverse complement: BTK is on the minus strand); the first of 4 consecutive A bases (chrX:101,360,618-101,360,621); duplicating any one gives the same sequence. VCF-style (leftmost placement, unchanged base first): chrX-101360617-T-TA. GRCh37 (hg19) VCF-style: chrX-100615605-T-TA.
Other names: c.726dupT (NM_000061.2); c.828dup, p.Ile277fs (NM_001287344.2); c.726dup, p.Ile243fs (NM_001287345.2); short protein forms I243fs, I277fs.
Identifiers: ClinVar variation 562232 (VCV000562232.2), dbSNP rs1569292774, ClinGen allele CA913190968.

ClinVar aggregate classification (germline): Pathogenic (0 of 4 stars; one submission).

Conditions:
X-linked agammaglobulinemia (XLA). Also called: Agammaglobulinemia, Bruton tyrosine kinase; Agammaglobulinemia, BTK; BTK-deficiency; Bruton's agammaglobulinemia; AGAMMAGLOBULINEMIA, X-LINKED, TYPE 1; Bruton-type agammaglobulinemia. Identifiers: Orphanet 229717, Orphanet 47, MedGen C0221026, MONDO:0010421, OMIM 300755.

Submission:

Rady Children's Institute for Genomic Medicine, Rady Children's Hospital San Diego
Classification: Pathogenic for X-linked agammaglobulinemia. Last evaluated: 2018-09-26. Review status: no assertion criteria provided. Collection method: clinical testing. Allele origin: de novo. Inheritance: Sporadic. Affected: yes.
Comment: This variant has been reported in the literature in a single individual with a clinical diagnosis of X-linked agammaglobulinemia (Holinski Feder et al, 1998). It is absent from the ExAC and gnomAD population databases. However, low-level maternal mosaicism cannot be excluded. This variant has been confirmed by Sanger sequencing. Based on the available evidence, this variant is classified as a pathogenic change.